The following is an entry in ClinVar:

ClinVar aggregate classification (germline): Uncertain significance (1 of 4 stars; one submission).

Submission:

GeneDx
Classification: Uncertain significance. Last evaluated: 2025-03-01. Review status: criteria provided, single submitter. Criteria: GeneDx Variant Classification Process June 2021. Collection method: clinical testing. Allele origin: germline. Affected: yes.
Comment: Not observed at significant frequency in large population cohorts (gnomAD); In silico analysis supports that this missense variant has a deleterious effect on protein structure/function; Has not been previously published as pathogenic or benign to our knowledge

NM_001281775.3(ZMYND8):c.1973C>G (p.Pro658Arg)

Gene: ZMYND8 (zinc finger MYND-type containing 8; minus strand). Cytogenetic location: 20q13.12.
Variant type: single nucleotide variant.
Coding change: c.1973C>G on transcript NM_001281775.3 (MANE Select); coding-DNA position 1973, C replaced by G.
Protein change: p.Pro658Arg; replaces proline 658 with arginine.
Molecular consequence: missense variant.
Genome position (GRCh38, 1-based): chr20:47,246,319, G>C on the plus strand (C>G on the coding strand, the complement: ZMYND8 is on the minus strand). VCF-style: chr20-47246319-G-C. GRCh37 (hg19) VCF-style: chr20-45875063-G-C.
Other names: c.1898C>G, p.Pro633Arg (NM_001281771.3, NM_001281777.3, NM_001281778.3 and 2 more transcripts); c.1913C>G, p.Pro638Arg (NM_001281772.3, NM_001281773.3, NM_001281774.3 and 1 more transcripts); c.1973C>G, p.Pro658Arg (NM_001281776.3, NM_001281783.3, NM_012408.6 and 1 more transcripts); c.1169C>G, p.Pro390Arg (NM_001281779.3, NM_001281780.3); c.1757C>G, p.Pro586Arg (NM_001281781.3, NM_001281784.3); c.1994C>G, p.Pro665Arg (NM_001363714.1); short protein forms P390R, P586R, P633R, P638R, P658R, P665R.
Identifiers: ClinVar variation 4077313 (VCV004077313.1).